The following is an entry in ClinVar:

NM_004104.5(FASN):c.2825G>T (p.Arg942Leu)

Gene: FASN (fatty acid synthase; minus strand). Cytogenetic location: 17q25.3.
Variant type: single nucleotide variant.
Coding change: c.2825G>T on transcript NM_004104.5 (MANE Select); coding-DNA position 2825, G replaced by T.
Protein change: p.Arg942Leu; replaces arginine 942 with leucine.
Molecular consequence: missense variant.
Genome position (GRCh38, 1-based): chr17:82,087,995, C>A on the plus strand (G>T on the coding strand, the complement: FASN is on the minus strand). VCF-style: chr17-82087995-C-A. GRCh37 (hg19) VCF-style: chr17-80045871-C-A.
Other names: short protein forms R942L.
Identifiers: ClinVar variation 653014 (VCV000653014.8), dbSNP rs775022621, ClinGen allele CA8852630.
Genomic context (GRCh38, chr17:82,087,995, plus strand): 5'-TGCCACCGGCCCTGCTTACCACTCACTACCAGGTTGCCGTTCTCTGACACCTCGAAGGCA[C>A]GGGAGGCCTCCAGGAGCCGTACCTCCAGGGACACTGTCCCTGCAGAGCGGGAGAGTTGGA-3'
Protein context (NP_004095.4, residues 932-952): SLEVRLLEAS[Arg942Leu]AFEVSENGNL

ClinVar aggregate classification (germline): Uncertain significance (1 of 4 stars; one submission).

Conditions:
Epileptic encephalopathy. Identifiers: MedGen C0543888, HP:0200134.

gnomAD v4.1: 6 of 1,612,704 alleles (0.00037%); highest among the groups gnomAD compares: Admixed American, 0.0083%; no homozygotes.

Submission:

Labcorp Genetics (formerly Invitae), Labcorp
Classification: Uncertain significance for Epileptic encephalopathy. Last evaluated: 2024-06-03. Review status: criteria provided, single submitter. Criteria: Invitae Variant Classification Sherloc (09022015). Collection method: clinical testing. Allele origin: germline.
Comment: This sequence change replaces arginine, which is basic and polar, with leucine, which is neutral and non-polar, at codon 942 of the FASN protein (p.Arg942Leu). This variant is present in population databases (rs775022621, gnomAD 0.01%). This variant has not been reported in the literature in individuals affected with FASN-related conditions. ClinVar contains an entry for this variant (Variation ID: 653014). An algorithm developed to predict the effect of missense changes on protein structure and function (PolyPhen-2) suggests that this variant is likely to be tolerated. In summary, the available evidence is currently insufficient to determine the role of this variant in disease. Therefore, it has been classified as a Variant of Uncertain Significance.